The following is an entry in ClinVar:

ClinVar aggregate classification (germline): Uncertain significance (1 of 4 stars; one submission).

Conditions:
Hermansky-Pudlak syndrome 2 (HPS2). Also called: Platelet defects and oculocutaneous albinism. Identifiers: Orphanet 183678, Orphanet 79430, MedGen C1842362, MONDO:0011997, OMIM 608233.

gnomAD v4.1: 3 of 1,612,904 alleles (0.00019%); highest among the groups gnomAD compares: Non-Finnish European, 0.00025%; no homozygotes.

Submission:

Labcorp Genetics (formerly Invitae), Labcorp
Classification: Uncertain significance for Hermansky-Pudlak syndrome 2. Last evaluated: 2025-04-30. Review status: criteria provided, single submitter. Criteria: Invitae Variant Classification Sherloc (09022015). Collection method: clinical testing. Allele origin: germline.
Comment: This sequence change replaces valine, which is neutral and non-polar, with methionine, which is neutral and non-polar, at codon 87 of the AP3B1 protein (p.Val87Met). This variant is not present in population databases (gnomAD no frequency). This variant has not been reported in the literature in individuals affected with AP3B1-related conditions. An algorithm developed to predict the effect of missense changes on protein structure and function (PolyPhen-2) suggests that this variant is likely to be disruptive. In summary, the available evidence is currently insufficient to determine the role of this variant in disease. Therefore, it has been classified as a Variant of Uncertain Significance.

NM_003664.5(AP3B1):c.259G>A (p.Val87Met)

Gene: AP3B1 (adaptor related protein complex 3 subunit beta 1; minus strand). Cytogenetic location: 5q14.1.
Variant type: single nucleotide variant.
Coding change: c.259G>A on transcript NM_003664.5 (MANE Select); coding-DNA position 259, G replaced by A.
Protein change: p.Val87Met; replaces valine 87 with methionine.
Molecular consequence: missense variant.
Genome position (GRCh38, 1-based): chr5:78,240,882, C>T on the plus strand (G>A on the coding strand, the complement: AP3B1 is on the minus strand). VCF-style: chr5-78240882-C-T. GRCh37 (hg19) VCF-style: chr5-77536706-C-T.
Other names: c.112G>A, p.Val38Met (NM_001271769.2); c.259G>A, p.Val87Met (NM_001410752.1); short protein forms V38M, V87M.
Identifiers: ClinVar variation 4711408 (VCV004711408.1).